The following is an entry in ClinVar:

ClinVar aggregate classification (germline): Pathogenic (1 of 4 stars; one submission).

Submission:

GeneDx
Classification: Pathogenic. Last evaluated: 2019-04-30. Review status: criteria provided, single submitter. Criteria: GeneDx Variant Classification Process June 2021. Collection method: clinical testing. Allele origin: germline. Affected: yes.
Comment: Nonsense variant predicted to result in protein truncation in a gene for which loss-of-function is a known mechanism of disease; Not observed in large population cohorts (Lek et al., 2016); Has not been previously published as pathogenic or benign to our knowledge

NM_012330.4(KAT6B):c.3286G>T (p.Glu1096Ter)

Gene: KAT6B (lysine acetyltransferase 6B; plus strand). Cytogenetic location: 10q22.2.
Variant type: single nucleotide variant.
Coding change: c.3286G>T on transcript NM_012330.4 (MANE Select); coding-DNA position 3286, G replaced by T.
Protein change: p.Glu1096Ter; replaces glutamic acid 1096 with a stop codon.
Molecular consequence: nonsense.
Genome position (GRCh38, 1-based): chr10:75,022,145, G>T. VCF-style: chr10-75022145-G-T. GRCh37 (hg19) VCF-style: chr10-76781903-G-T.
Other names: c.2737G>T, p.Glu913Ter (NM_001256468.2, NM_001370138.1); c.2410G>T, p.Glu804Ter (NM_001256469.2, NM_001370139.1, NM_001370140.1 and 2 more transcripts); c.2248G>T, p.Glu750Ter (NM_001370132.1); c.1597G>T, p.Glu533Ter (NM_001370133.1); c.1201G>T, p.Glu401Ter (NM_001370134.1); c.943G>T, p.Glu315Ter (NM_001370135.1); c.3286G>T, p.Glu1096Ter (NM_001370136.1, NM_001370137.1); c.2221G>T, p.Glu741Ter (NM_001370143.1, NM_001370144.1); short protein forms E1096*, E315*, E401*, E750*, E804*, E533*, E913*, E741*.
Identifiers: ClinVar variation 424129 (VCV000424129.4), dbSNP rs770674400, ClinGen allele CA16618989.